The following is an entry in ClinVar:

NM_020631.6(PLEKHG5):c.2361C>T (p.Thr787=)

Gene: PLEKHG5 (pleckstrin homology and RhoGEF domain containing G5; minus strand). Cytogenetic location: 1p36.31.
Variant type: single nucleotide variant.
Coding change: c.2361C>T on transcript NM_020631.6 (MANE Select); coding-DNA position 2361, C replaced by T.
Protein change: p.Thr787=; no amino-acid change (threonine 787 retained).
Molecular consequence: synonymous variant.
Genome position (GRCh38, 1-based): chr1:6,468,475, G>A on the plus strand (C>T on the coding strand, the complement: PLEKHG5 is on the minus strand). VCF-style: chr1-6468475-G-A. GRCh37 (hg19) VCF-style: chr1-6528535-G-A.
Other names: c.2472C>T, p.Thr824= (NM_001042663.3, NM_001265592.2); c.2361C>T, p.Thr787= (NM_001042664.2, NM_001042665.2, NM_001265594.3 and 1 more transcripts); c.2568C>T, p.Thr856= (NM_001265593.2).
Identifiers: ClinVar variation 508904 (VCV000508904.39), dbSNP rs201054338, ClinGen allele CA561175.

ClinVar aggregate classification (germline): Likely benign. Review status: criteria provided, multiple submitters, no conflicts (2 of 4 stars). 5 submissions from 5 submitters: Likely benign (5). Last evaluated 2026-07-15.

Conditions:
Inborn genetic diseases. Identifiers: MedGen C0950123, MeSH D030342.
Charcot-Marie-Tooth disease recessive intermediate C. Also called: CHARCOT-MARIE-TOOTH NEUROPATHY, RECESSIVE INTERMEDIATE C. Identifiers: Orphanet 369867, MedGen C3809309, MONDO:0014154, OMIM 615376.
Neuronopathy, distal hereditary motor, autosomal recessive 4. Also called: NEUROPATHY, DISTAL HEREDITARY MOTOR, AUTOSOMAL RECESSIVE 4; Autosomal recessive lower motor neuron disease with childhood onset. Identifiers: Orphanet 206580, MedGen C1970211, MONDO:0012608, OMIM 611067.
PLEKHG5-related disorder. Also called: PLEKHG5-related condition.

Allele frequency attached by ClinVar (database versions not stated): gnomAD exomes 0.00004 and 0.00005; gnomAD 0.00005 and 0.00007; ExAC 0.00006; TOPMed 0.00006; 1000 Genomes Project 30x 0.00016; 1000 Genomes Project 0.00020.
gnomAD v4.1: 64 of 1,613,054 alleles (0.004%); highest among the groups gnomAD compares: Non-Finnish European, 0.0051%; no homozygotes.

Submissions (5):

PreventionGenetics, part of Exact Sciences
Classification: Likely benign for PLEKHG5-related condition. Last evaluated: 2026-07-15. Review status: criteria provided, single submitter. Criteria: ACMG Guidelines, 2015. Collection method: clinical testing. Allele origin: germline.
Comment: This variant is classified as likely benign based on ACMG/AMP sequence variant interpretation guidelines (Richards et al. 2015 PMID: 25741868, with internal and published modifications).

Labcorp Genetics (formerly Invitae), Labcorp
Classification: Likely benign for Neuronopathy, distal hereditary motor, autosomal recessive 4; Charcot-Marie-Tooth disease recessive intermediate C. Last evaluated: 2026-01-27. Review status: criteria provided, single submitter. Criteria: Invitae Variant Classification Sherloc (09022015). Collection method: clinical testing. Allele origin: germline.

CeGaT Center for Human Genetics Tuebingen
Classification: Likely benign. Last evaluated: 2022-12-01. Review status: criteria provided, single submitter. Criteria: CeGaT Center For Human Genetics Tuebingen Variant Classification Criteria Version 2. Collection method: clinical testing. Allele origin: germline. Affected: yes. Observed: 1 variant allele.
Comment: PLEKHG5: BP4, BP7

Ambry Genetics
Classification: Likely benign for Inborn genetic diseases. Last evaluated: 2019-07-11. Review status: criteria provided, single submitter. Criteria: Ambry Variant Classification Scheme 2023. Collection method: clinical testing. Allele origin: germline.

GeneDx
Classification: Likely benign. Last evaluated: 2018-08-15. Review status: criteria provided, single submitter. Criteria: GeneDx Variant Classification Process June 2021. Collection method: clinical testing. Allele origin: germline. Affected: yes.